The following is an entry in ClinVar:

ClinVar aggregate classification (germline): Pathogenic/Likely pathogenic. Review status: criteria provided, multiple submitters, no conflicts (2 of 4 stars). 3 submissions from 3 submitters: Pathogenic (1); Likely pathogenic (2). Last evaluated 2025-10-25.

Conditions:
UROD-related disorder. Also called: UROD-related disorders; UROD-related condition.

Submissions (3):

Labcorp Genetics (formerly Invitae), Labcorp
Classification: Likely pathogenic. Last evaluated: 2025-10-25. Review status: criteria provided, single submitter. Criteria: Invitae Variant Classification Sherloc (09022015). Collection method: clinical testing. Allele origin: germline.
Comment: This sequence change replaces valine, which is neutral and non-polar, with glutamine, which is neutral and polar, at codon 134 of the UROD protein (p.Val134Gln). Information on the frequency of this variant in the gnomAD database is not available, as this variant may be reported differently in the database. This missense change has been observed in individual(s) with autosomal dominant porphyria cutanea tarda and/or autosomal recessive hepatoerythropoietic porphyria (PMID: 8176248, 10338097, 11069625, 11719352). ClinVar contains an entry for this variant (Variation ID: 1465976). Algorithms developed to predict the effect of variants on gene product structure and function are not available or were not evaluated for this variant. Experimental studies have shown that this missense change does not substantially affect UROD function (PMID: 8176248, 11719352). In summary, the currently available evidence indicates that the variant is pathogenic, but additional data are needed to prove that conclusively. Therefore, this variant has been classified as Likely Pathogenic.

Blueprint Genetics
Classification: Pathogenic for UROD-related disorders. Last evaluated: 2024-10-30. Review status: criteria provided, single submitter. Criteria: ACMG Guidelines, 2015. Collection method: clinical testing. Allele origin: germline. Affected: yes. Observed: 3 variant alleles.

Mayo Clinic Laboratories, Mayo Clinic
Classification: Likely pathogenic. Last evaluated: 2022-04-13. Review status: criteria provided, single submitter. Criteria: ACMG Guidelines, 2015. Collection method: clinical testing. Allele origin: germline. Observed: 2 variant alleles.
Comment: PP4, PM2, PS3_moderate, PS4_moderate

Literature cited by the submitters: PubMed 8176248 (cited by Labcorp Genetics (formerly Invitae), Labcorp and Mayo Clinic Laboratories, Mayo Clinic); PubMed 10338097 (cited by Labcorp Genetics (formerly Invitae), Labcorp and Mayo Clinic Laboratories, Mayo Clinic); PubMed 11069625 (cited by Labcorp Genetics (formerly Invitae), Labcorp and Mayo Clinic Laboratories, Mayo Clinic); PubMed 11719352 (cited by Labcorp Genetics (formerly Invitae), Labcorp and Mayo Clinic Laboratories, Mayo Clinic); PubMed 12367763 (cited by Mayo Clinic Laboratories, Mayo Clinic); PubMed 15186324 (cited by Mayo Clinic Laboratories, Mayo Clinic); PubMed 19419417 (cited by Mayo Clinic Laboratories, Mayo Clinic); PubMed 26789143 (cited by Mayo Clinic Laboratories, Mayo Clinic); PubMed 30514647 (cited by Mayo Clinic Laboratories, Mayo Clinic); PubMed 8644733 (cited by Mayo Clinic Laboratories, Mayo Clinic).

NM_000374.5(UROD):c.399_401delinsCCA (p.Val134Gln)

Gene: UROD (uroporphyrinogen decarboxylase; plus strand). Cytogenetic location: 1p34.1.
Variant type: Indel.
Coding change: c.399_401delinsCCA on transcript NM_000374.5 (MANE Select); coding-DNA positions 399 to 401, TGT replaced by CCA.
Protein change: p.Val134Gln; replaces valine 134 with glutamine.
Molecular consequence: missense variant. On other transcripts: non-coding transcript variant (3).
Genome position (GRCh38, 1-based): chr1:45,013,716-45,013,718, TGT replaced by CCA. VCF-style: chr1-45013716-TGT-CCA. GRCh37 (hg19) VCF-style: chr1-45479388-TGT-CCA.
Other names: p.Val134Gln; short protein forms V134Q.
Identifiers: ClinVar variation 1465976 (VCV001465976.8), dbSNP rs2148982736, ClinGen allele CA2573132409.